The following is an entry in ClinVar:

ClinVar aggregate classification (germline): Pathogenic. Review status: criteria provided, multiple submitters, no conflicts (2 of 4 stars). 5 submissions from 5 submitters: Pathogenic (5). Last evaluated 2025-09-26.

Conditions:
Polycystic kidney disease 4 (PKD4). Also called: POLYCYSTIC KIDNEY DISEASE 4 WITH OR WITHOUT POLYCYSTIC LIVER DISEASE; PKD3; POLYCYSTIC KIDNEY AND HEPATIC DISEASE 1; POLYCYSTIC KIDNEY DISEASE, INFANTILE, TYPE I; Autosomal Recessive Polycystic Kidney Disease – PKHD1. Identifiers: MedGen C4540575, MONDO:0033004, OMIM 263200.
Autosomal recessive polycystic kidney disease (ARPKD). Also called: AR polycystic kidney disease. Identifiers: Orphanet 731, Orphanet 8378, MedGen C0085548, MeSH D017044, MONDO:0009889.

Submissions (5):

Centre for Clinical Genetics and Genomic Diagnostics, Zealand University Hospital
Classification: Pathogenic. Last evaluated: 2025-09-26. Review status: criteria provided, single submitter. Criteria: ACMG Guidelines, 2015. Collection method: clinical testing. Allele origin: germline. Affected: yes.

Natera, Inc.
Classification: Pathogenic for Autosomal recessive polycystic kidney disease. Last evaluated: 2024-12-09. Review status: criteria provided, single submitter. Criteria: Natera Variant Classification Schema (03/2026). Collection method: clinical testing. Allele origin: germline.
Comment: The c.10955delC variant in PKHD1 is a frameshift variant predicted to shift the reading frame beginning at codon 3652 and leads to a stop codon 2 codons downstream. This variant is expected to result in nonsense mediated decay, truncation, or a dysfunctional protein product. This variant is rare in the general population with a frequency below the threshold expected for the associated phenotype(s). This variant has been observed in one or more individuals affected with the associated recessive disease, as either homozygous or compound heterozygous with a second variant (PMID: 19914852). Given the available evidence, this variant is classified as Pathogenic.

Labcorp Genetics (formerly Invitae), Labcorp
Classification: Pathogenic for Autosomal recessive polycystic kidney disease. Last evaluated: 2023-09-15. Review status: criteria provided, single submitter. Criteria: Invitae Variant Classification Sherloc (09022015). Collection method: clinical testing. Allele origin: germline.
Comment: For these reasons, this variant has been classified as Pathogenic. ClinVar contains an entry for this variant (Variation ID: 633361). This premature translational stop signal has been observed in individual(s) with autosomal recessive polycystic kidney disease (PMID: 19914852). The frequency data for this variant in the population databases is considered unreliable, as metrics indicate poor data quality at this position in the gnomAD database. This sequence change creates a premature translational stop signal (p.Pro3652Glnfs*2) in the PKHD1 gene. It is expected to result in an absent or disrupted protein product. Loss-of-function variants in PKHD1 are known to be pathogenic (PMID: 19940839).

Baylor Genetics
Classification: Pathogenic for Polycystic kidney disease 4. Last evaluated: 2022-07-03. Review status: criteria provided, single submitter. Criteria: ACMG Guidelines, 2015. Collection method: clinical testing. Allele origin: unknown.

Women's Health and Genetics/Laboratory Corporation of America, LabCorp
Classification: Pathogenic for Autosomal recessive polycystic kidney disease. Last evaluated: 2021-07-05. Review status: criteria provided, single submitter. Criteria: LabCorp Variant Classification Summary - May 2015. Collection method: clinical testing. Allele origin: germline.
Comment: Variant summary: PKHD1 c.10955delC (p.Pro3652GlnfsX2) results in a premature termination codon, predicted to cause a truncation of the encoded protein or absence of the protein due to nonsense mediated decay, which are commonly known mechanisms for disease. Truncations downstream of this position have been classified as pathogenic by our laboratory. The variant allele was found at a frequency of 4e-06 in 250876 control chromosomes. c.10955delC has been reported in the literature in individuals affected with Polycystic Kidney And Hepatic Disease (e.g. Gunay-Aygun_2009, Tong_2016). These data indicate that the variant may be associated with disease. To our knowledge, no experimental evidence demonstrating an impact on protein function has been reported. One other clinical diagnostic laboratory has submitted clinical-significance assessments for this variant to ClinVar after 2014 without evidence for independent evaluation and cited the variant as pathogenic. Based on the evidence outlined above, the variant was classified as pathogenic.

Literature cited by the submitters: PubMed 19914852 (cited by 3 submitters); PubMed 19940839 (cited by Labcorp Genetics (formerly Invitae), Labcorp); PubMed 27752906 (cited by Women's Health and Genetics/Laboratory Corporation of America, LabCorp).

NM_138694.4(PKHD1):c.10955del (p.Pro3652fs)

Gene: PKHD1 (PKHD1 ciliary IPT domain containing fibrocystin/polyductin; minus strand). Cytogenetic location: 6p12.3.
Variant type: Deletion.
Coding change: c.10955del on transcript NM_138694.4 (MANE Select); coding-DNA position 10955, one base deleted (C; older notation c.10955delC).
Protein change: p.Pro3652fs; shifts the reading frame from proline 3652.
Molecular consequence: frameshift variant.
Genome position (GRCh38, 1-based): chr6:51,659,171, G deleted on the plus strand (C on the coding strand, the reverse complement: PKHD1 is on the minus strand); the first of 5 consecutive G bases (chr6:51,659,171-51,659,175); deleting any one gives the same sequence. VCF-style (leftmost placement, unchanged base first): chr6-51659170-TG-T. GRCh37 (hg19) VCF-style: chr6-51523968-TG-T.
Other names: short protein forms P3652fs.
Identifiers: ClinVar variation 633361 (VCV000633361.14), dbSNP rs765390756, ClinGen allele CA138897007.